The following is an entry in ClinVar:

ClinVar aggregate classification (germline): Uncertain significance. Review status: criteria provided, multiple submitters, no conflicts (2 of 4 stars). 2 submissions from 2 submitters: Uncertain significance (2). Last evaluated 2025-03-25.

Conditions:
Currarino triad. Identifiers: Orphanet 1552, MedGen C1531773, MONDO:0008305, OMIM 176450.

Submissions (2):

Labcorp Genetics (formerly Invitae), Labcorp
Classification: Uncertain significance. Last evaluated: 2025-03-25. Review status: criteria provided, single submitter. Criteria: Invitae Variant Classification Sherloc (09022015). Collection method: clinical testing. Allele origin: germline.
Comment: This variant, c.313_315dup, results in the insertion of 1 amino acid(s) of the MNX1 protein (p.Gly105dup), but otherwise preserves the integrity of the reading frame. The frequency data for this variant in the population databases is considered unreliable, as metrics indicate poor data quality at this position in the gnomAD database. This variant has not been reported in the literature in individuals affected with MNX1-related conditions. Experimental studies and prediction algorithms are not available or were not evaluated, and the functional significance of this variant is currently unknown. In summary, the available evidence is currently insufficient to determine the role of this variant in disease. Therefore, it has been classified as a Variant of Uncertain Significance.

Fulgent Genetics
Classification: Uncertain significance for Currarino triad. Last evaluated: 2024-03-12. Review status: criteria provided, single submitter. Criteria: ACMG Guidelines, 2015. Collection method: clinical testing. Allele origin: germline.

NM_005515.4(MNX1):c.298GGC[7] (p.Gly105dup)

Gene: MNX1 (motor neuron and pancreas homeobox 1; minus strand). Cytogenetic location: 7q36.3.
Variant type: Microsatellite.
Coding change: c.298GGC[7] on transcript NM_005515.4 (MANE Select); seven copies in a row of the 3-base unit GGC starting at c.298; the reference has six copies in a row; one copy, 3 bases duplicated; also written c.313_315dup.
Protein change: p.Gly105dup; duplicates glycine 105.
Molecular consequence: inframe insertion.
Genome position (GRCh38, 1-based): chr7:157,010,036-157,010,038, GCC duplicated on the plus strand (GGC on the coding strand, the reverse complement: MNX1 is on the minus strand); duplicating any 3 consecutive bases within chr7:157,010,036-157,010,053 gives the same sequence; the position shown is the placement nearest the transcript's 3' end. VCF-style (leftmost placement, unchanged base first): chr7-157010035-T-TGCC. GRCh37 (hg19) VCF-style: chr7-156802729-T-TGCC.
Other names: c.313_315dup (NM_005515.4).
Identifiers: ClinVar variation 1380258 (VCV001380258.9), dbSNP rs757330807, ClinGen allele CA579079894.